The following is an entry in ClinVar:

NM_058216.3(RAD51C):c.68_72dup (p.Val25fs)

Gene: RAD51C (RAD51 paralog C; plus strand). Cytogenetic location: 17q22.
Variant type: Duplication.
Coding change: c.68_72dup on transcript NM_058216.3 (MANE Select); coding-DNA positions 68 to 72, 5 bases duplicated (TGCGG; older notation c.68_72dupTGCGG).
Protein change: p.Val25fs; shifts the reading frame from valine 25.
Molecular consequence: frameshift variant. On other transcripts: non-coding transcript variant (1).
Genome position (GRCh38, 1-based): chr17:58,692,711-58,692,715, TGCGG duplicated; duplicating any 5 consecutive bases within chr17:58,692,707-58,692,715 gives the same sequence; the c. name uses the placement nearest the transcript's 3' end. VCF-style (leftmost placement, unchanged base first): chr17-58692706-A-AGCGGT. GRCh37 (hg19) VCF-style: chr17-56770067-A-AGCGGT.
Other names: c.68_72dupTGCGG (NM_058216.1); c.68_72dup, p.Val25fs (NM_002876.4); c.68_72dup5 (NM_058216.2); short protein forms V25fs.
Identifiers: ClinVar variation 835311 (VCV000835311.15), dbSNP rs2047807048, ClinGen allele CA916081888.

ClinVar aggregate classification (germline): Pathogenic/Likely pathogenic. Review status: criteria provided, multiple submitters, no conflicts (2 of 4 stars). 7 submissions from 7 submitters: Pathogenic (4); Likely pathogenic (1). 2 of the submissions do not count toward it. Last evaluated 2025-07-23.

Conditions:
Ovarian neoplasm. Also called: Ovarian Neoplasms; Neoplasm of ovary; Ovarian tumor. Identifiers: MedGen C0919267, MeSH D010051, MONDO:0021068, HP:0100615.
RAD51C-related disorder. Also called: RAD51C-related disorders; RAD51C-related condition.
Breast-ovarian cancer, familial, susceptibility to, 3. Also called: RAD51C-Related Breast/Ovarian Cancer. Identifiers: Orphanet 145, MedGen C3150659, MONDO:0013253, OMIM 613399.
Fanconi anemia complementation group O. Also called: RAD51C-Related Fanconi Anemia. Identifiers: Orphanet 84, MedGen C3150653, MONDO:0013248, OMIM 613390.
Hereditary cancer-predisposing syndrome. Also called: Neoplastic Syndromes, Hereditary; Hereditary Cancer Syndrome; Tumor predisposition; Hereditary neoplastic syndrome. Identifiers: Orphanet 140162, MedGen C0027672, MeSH D009386, MONDO:0015356.

Submissions (7):

PreventionGenetics, part of Exact Sciences
Classification: Pathogenic for RAD51C-related condition. Last evaluated: 2025-07-23. Review status: criteria provided, single submitter. Criteria: ACMG Guidelines, 2015. Collection method: clinical testing. Allele origin: germline.
Comment: The RAD51C c.68_72dup5 variant is predicted to result in a frameshift and premature protein termination (p.Val25Cysfs*3). This variant was reported in patients with breast and/or ovarian cancer (Thompson et al 2012. PubMed ID: 21990120; Li et al. 2019. PubMed ID: 30949688). This variant has not been reported in a large population database (gnomAD), indicating it is rare. This variant is classified in ClinVar as pathogenic. Frameshift variants in RAD51C are expected to be pathogenic (Rashid et al. 2014. PubMed ID: 24800917; Meindl et al. 2010. PubMed ID: 20400964). This variant is interpreted as pathogenic.

Ambry Genetics
Classification: Likely pathogenic for Hereditary cancer-predisposing syndrome. Last evaluated: 2025-04-15. Review status: criteria provided, single submitter. Criteria: Ambry Variant Classification Scheme 2023. Collection method: clinical testing. Allele origin: germline.
Comment: The c.68_72dupTGCGG variant, located in coding exon 1 of the RAD51C gene, results from a duplication of TGCGG at nucleotide position 68, causing a translational frameshift with a predicted alternate stop codon (p.V25Cfs*3). The predicted stop codon occurs in the 5&rsquo; end of theRAD51C gene. Premature termination codons in the 5&rsquo; end of a gene have been reported to escape nonsense-mediated mRNAdecay and/or lead to re-initiation (Rivas et al. Science. 2015 May 8;348(6235):666-9; Lindeboom et al. Nat Genet. 2016 Oct;48(10):1112-8; Rhee et al. Sci Rep. 2017 May 10;7(1):1653). Direct evidence for this alteration is unavailable, however premature termination codons are typically deleterious in nature. This variant was reported in individual(s) with features consistent with breast and/or ovarian cancer (Thompson ER et al. Hum Mutat, 2012 Jan;33:95-9; Li N et al. J Natl Cancer Inst, 2019 Dec;111:1332-1338). This variant is considered to be rare based on population cohorts in the Genome Aggregation Database (gnomAD). Based on the majority of available evidence to date, this variant is likely to be pathogenic.

Baylor Genetics
Classification: Pathogenic for Breast-ovarian cancer, familial, susceptibility to, 3. Last evaluated: 2024-03-29. Review status: criteria provided, single submitter. Criteria: ACMG Guidelines, 2015. Collection method: clinical testing. Allele origin: unknown.

Labcorp Genetics (formerly Invitae), Labcorp
Classification: Pathogenic for Fanconi anemia complementation group O. Last evaluated: 2024-03-11. Review status: criteria provided, single submitter. Criteria: Invitae Variant Classification Sherloc (09022015). Collection method: clinical testing. Allele origin: germline.
Comment: This sequence change creates a premature translational stop signal (p.Val25Cysfs*3) in the RAD51C gene. It is expected to result in an absent or disrupted protein product. Loss-of-function variants in RAD51C are known to be pathogenic (PMID: 20400964, 21990120, 24800917, 29278735). This variant is not present in population databases (gnomAD no frequency). This premature translational stop signal has been observed in individual(s) with ovarian cancer (PMID: 21990120). ClinVar contains an entry for this variant (Variation ID: 835311). For these reasons, this variant has been classified as Pathogenic.

Myriad Genetics, Inc.
Classification: Pathogenic for Breast-ovarian cancer, familial, susceptibility to, 3. Last evaluated: 2024-01-02. Review status: criteria provided, single submitter. Criteria: Myriad Autosomal Dominant, Autosomal Recessive and X-Linked Classification Criteria (2023). Collection method: clinical testing. Allele origin: unknown.
Comment: This variant is considered pathogenic. This variant creates a frameshift predicted to result in premature protein truncation.

Leiden Open Variation Database
Classification: Pathogenic for Ovarian cancer. Last evaluated: 2011-08-25. Review status: no assertion criteria provided. Collection method: curation. Allele origin: germline. Affected: yes. Not counted in ClinVar's aggregate classification.
Comment: Curator: Arleen D. Auerbach. Submitter to LOVD: Ian Campbell.

Department of Pathology and Laboratory Medicine, Sinai Health System
Classification: Pathogenic. Review status: no assertion criteria provided. Collection method: clinical testing. Allele origin: unknown. Affected: yes. Study: The Canadian Open Genetics Repository (COGR). Not counted in ClinVar's aggregate classification.
Comment: The RAD51C p.Val25Cysfs*3 variant was identified in 1 of 2776 proband chromosomes (frequency: 0.0004) from individuals or families with ovarian cancer and was not identified in 854 control chromosomes from healthy individuals (Thompson 2012). The variant was also identified in LOVD 3.0 (1x). The variant was not identified in dbSNP, ClinVar, the Exome Aggregation Consortium (August 8th 2016), or the Genome Aggregation Database (Feb 27, 2017). The variant occurs outside of the splicing consensus sequence and 2 of 4 in silico or computational prediction software programs (SpliceSiteFinder, MaxEntScan, NNSPLICE, GeneSplicer) predict that this variant may create a new 5â€šÃ„Ã´ splice site which could disrupt the protein and lead to loss of function. However, this information is not predictive enough to assume pathogenicity. The c.68_72dup variant is predicted to cause a frameshift, which alters the protein's amino acid sequence beginning at codon 25 and leads to a premature stop codon at codon 27. This alteration is then predicted to result in a truncated or absent protein and loss of function. Loss of function variants of the RAD51C gene are an established mechanism of disease in RAD51C associated cancers and is the type of variant expected to cause the disorder. In summary, based on the above information this variant meets our laboratoryâ€šÃ„Ã´s criteria to be classified as pathogenic.

Literature cited by the submitters: PubMed 21990120 (cited by 3 submitters); PubMed 30949688 (cited by Ambry Genetics); PubMed 20400964 (cited by Labcorp Genetics (formerly Invitae), Labcorp); PubMed 24800917 (cited by Labcorp Genetics (formerly Invitae), Labcorp); PubMed 29278735 (cited by Labcorp Genetics (formerly Invitae), Labcorp).